The following is an entry in ClinVar:

ClinVar aggregate classification (germline): Pathogenic. Review status: criteria provided, multiple submitters, no conflicts (2 of 4 stars). 2 submissions from 2 submitters: Pathogenic (2). Last evaluated 2026-04-29.

Conditions:
Familial cancer of breast. Also called: BREAST CANCER, FAMILIAL; Hereditary breast cancer; hereditary breast carcinoma. Identifiers: Orphanet 227535, MedGen C0346153, MONDO:0016419, OMIM 114480. Disease mechanism: loss of function.

gnomAD v4.1: 1 of 1,614,032 alleles (0.000062%); highest among the groups gnomAD compares: Non-Finnish European, 0.000085%; no homozygotes.

Submissions (2):

Myriad Genetics, Inc.
Classification: Pathogenic for Familial cancer of breast. Last evaluated: 2026-04-29. Review status: criteria provided, single submitter. Criteria: Myriad Autosomal Dominant, Autosomal Recessive and X-Linked Classification Criteria (2023). Collection method: clinical testing. Allele origin: unknown.
Comment: This variant is considered pathogenic. This variant creates a termination codon and is predicted to result in premature protein truncation.

Labcorp Genetics (formerly Invitae), Labcorp
Classification: Pathogenic for Familial cancer of breast. Last evaluated: 2024-06-18. Review status: criteria provided, single submitter. Criteria: Invitae Variant Classification Sherloc (09022015). Collection method: clinical testing. Allele origin: germline.
Comment: This sequence change creates a premature translational stop signal (p.Gly568*) in the BARD1 gene. It is expected to result in an absent or disrupted protein product. Loss-of-function variants in BARD1 are known to be pathogenic (PMID: 20077502, 21344236). This variant is not present in population databases (gnomAD no frequency). This variant has not been reported in the literature in individuals affected with BARD1-related conditions. For these reasons, this variant has been classified as Pathogenic.

Literature cited by the submitters: PubMed 20077502 (cited by Labcorp Genetics (formerly Invitae), Labcorp); PubMed 21344236 (cited by Labcorp Genetics (formerly Invitae), Labcorp).

NM_000465.4(BARD1):c.1702G>T (p.Gly568Ter)

Gene: BARD1 (BRCA1 associated RING domain 1; minus strand). Cytogenetic location: 2q35.
Variant type: single nucleotide variant.
Coding change: c.1702G>T on transcript NM_000465.4 (MANE Select); coding-DNA position 1702, G replaced by T.
Protein change: p.Gly568Ter; replaces glycine 568 with a stop codon.
Molecular consequence: nonsense. On other transcripts: non-coding transcript variant (3), intron variant (1).
Genome position (GRCh38, 1-based): chr2:214,745,830, C>A on the plus strand (G>T on the coding strand, the complement: BARD1 is on the minus strand). VCF-style: chr2-214745830-C-A. GRCh37 (hg19) VCF-style: chr2-215610554-C-A.
Other names: c.1645G>T, p.Gly549Ter (NM_001282543.2); c.349G>T, p.Gly117Ter (NM_001282545.2); c.292G>T, p.Gly98Ter (NM_001282548.2); c.365-15322G>T (NM_001282549.2); short protein forms G117*, G549*, G568*, G98*.
Identifiers: ClinVar variation 3656887 (VCV003656887.3).